The following is an entry in ClinVar:

NM_032620.4(GTPBP3):c.277C>T (p.Arg93Cys)

Gene: GTPBP3 (GTP binding protein 3, mitochondrial; plus strand). Cytogenetic location: 19p13.11.
Variant type: single nucleotide variant.
Coding change: c.277C>T on transcript NM_032620.4 (MANE Select); coding-DNA position 277, C replaced by T.
Protein change: p.Arg93Cys; replaces arginine 93 with cysteine.
Molecular consequence: missense variant.
Genome position (GRCh38, 1-based): chr19:17,338,231, C>T. VCF-style: chr19-17338231-C-T. GRCh37 (hg19) VCF-style: chr19-17449040-C-T.
Other names: c.277C>T, p.Arg93Cys (NM_001128855.3, NM_133644.4); c.343C>T, p.Arg115Cys (NM_001195422.1); short protein forms R115C, R93C.
Identifiers: ClinVar variation 1353669 (VCV001353669.8), dbSNP rs779344639, ClinGen allele CA9293276.

ClinVar aggregate classification (germline): Uncertain significance (1 of 4 stars; one submission).

Allele frequency attached by ClinVar (database versions not stated): gnomAD exomes 0.00001; TOPMed 0.00001; ExAC 0.00003.

Submission:

Labcorp Genetics (formerly Invitae), Labcorp
Classification: Uncertain significance. Last evaluated: 2021-06-19. Review status: criteria provided, single submitter. Criteria: Invitae Variant Classification Sherloc (09022015). Collection method: clinical testing. Allele origin: germline.
Comment: Algorithms developed to predict the effect of missense changes on protein structure and function (SIFT, PolyPhen-2, Align-GVGD) all suggest that this variant is likely to be disruptive, but these predictions have not been confirmed by published functional studies and their clinical significance is uncertain. This variant has not been reported in the literature in individuals with GTPBP3-related conditions. This variant is present in population databases (rs779344639, ExAC 0.02%). This sequence change replaces arginine with cysteine at codon 93 of the GTPBP3 protein (p.Arg93Cys). The arginine residue is highly conserved and there is a large physicochemical difference between arginine and cysteine. In summary, the available evidence is currently insufficient to determine the role of this variant in disease. Therefore, it has been classified as a Variant of Uncertain Significance.